The following is an entry in ClinVar:

ClinVar aggregate classification (germline): Uncertain significance. Review status: criteria provided, multiple submitters, no conflicts (2 of 4 stars). 2 submissions from 2 submitters: Uncertain significance (2). Last evaluated 2023-12-31.

Conditions:
LZTR1-related schwannomatosis. Also called: Schwannomatosis 2; Schwannomatosis-2, susceptibility to. Identifiers: Orphanet 93921, MedGen C3810283, MONDO:0014299, OMIM 615670.

Submissions (2):

Baylor Genetics
Classification: Uncertain significance for LZTR1-related schwannomatosis. Last evaluated: 2023-12-31. Review status: criteria provided, single submitter. Criteria: ACMG Guidelines, 2015. Collection method: clinical testing. Allele origin: unknown.

Labcorp Genetics (formerly Invitae), Labcorp
Classification: Uncertain significance. Last evaluated: 2023-09-01. Review status: criteria provided, single submitter. Criteria: Invitae Variant Classification Sherloc (09022015). Collection method: clinical testing. Allele origin: germline.
Comment: In summary, the available evidence is currently insufficient to determine the role of this variant in disease. Therefore, it has been classified as a Variant of Uncertain Significance. Advanced modeling of protein sequence and biophysical properties (such as structural, functional, and spatial information, amino acid conservation, physicochemical variation, residue mobility, and thermodynamic stability) performed at Invitae indicates that this missense variant is not expected to disrupt LZTR1 protein function. This variant has not been reported in the literature in individuals affected with LZTR1-related conditions. This variant is not present in population databases (gnomAD no frequency). This sequence change replaces valine, which is neutral and non-polar, with leucine, which is neutral and non-polar, at codon 242 of the LZTR1 protein (p.Val242Leu).

NM_006767.4(LZTR1):c.724G>C (p.Val242Leu)

Gene: LZTR1 (leucine zipper like post translational regulator 1; plus strand). Cytogenetic location: 22q11.21.
Variant type: single nucleotide variant.
Coding change: c.724G>C on transcript NM_006767.4 (MANE Select); coding-DNA position 724, G replaced by C.
Protein change: p.Val242Leu; replaces valine 242 with leucine.
Molecular consequence: missense variant.
Genome position (GRCh38, 1-based): chr22:20,990,458, G>C. VCF-style: chr22-20990458-G-C. GRCh37 (hg19) VCF-style: chr22-21344747-G-C.
Other names: short protein forms V242L.
Identifiers: ClinVar variation 2912332 (VCV002912332.4), dbSNP rs780354295, ClinGen allele CA410780565.